The following is an entry in ClinVar:

NM_000051.4(ATM):c.6048T>G (p.Asp2016Glu)

Genes: ATM (ATM serine/threonine kinase; plus strand), C11orf65 (chromosome 11 open reading frame 65; minus strand). Cytogenetic location: 11q22.3.
Variant type: single nucleotide variant.
Coding change: c.6048T>G on transcript NM_000051.4 (MANE Select); coding-DNA position 6048, T replaced by G.
Protein change: p.Asp2016Glu; replaces aspartic acid 2016 with glutamic acid.
Molecular consequence: missense variant. On other transcripts: intron variant (2).
Genome position (GRCh38, 1-based): chr11:108,315,864, T>G. VCF-style: chr11-108315864-T-G. GRCh37 (hg19) VCF-style: chr11-108186591-T-G.
Other names: c.6048T>G, p.Asp2016Glu (NM_001351834.2); c.641-6793A>C (NM_001330368.2); c.*39-6793A>C (NM_001351110.2); short protein forms D2016E.
Identifiers: ClinVar variation 3966815 (VCV003966815.1).

ClinVar aggregate classification (germline): Uncertain significance (1 of 4 stars; one submission).

Conditions:
Hereditary cancer-predisposing syndrome. Also called: Neoplastic Syndromes, Hereditary; Tumor predisposition; Hereditary Cancer Syndrome; Hereditary neoplastic syndrome. Identifiers: Orphanet 140162, MedGen C0027672, MeSH D009386, MONDO:0015356.

Submission:

Ambry Genetics
Classification: Uncertain significance for Hereditary cancer-predisposing syndrome. Last evaluated: 2025-04-30. Review status: criteria provided, single submitter. Criteria: Ambry Variant Classification Scheme 2023. Collection method: clinical testing. Allele origin: germline.
Comment: The p.D2016E variant (also known as c.6048T>G), located in coding exon 40 of the ATM gene, results from a T to G substitution at nucleotide position 6048. The aspartic acid at codon 2016 is replaced by glutamic acid, an amino acid with highly similar properties. This amino acid position is highly conserved in available vertebrate species. In addition, the in silico prediction for this alteration is inconclusive. Based on the available evidence, the clinical significance of this variant remains unclear.